The following is an entry in ClinVar:

ClinVar aggregate classification (germline): Conflicting classifications of pathogenicity. Review status: criteria provided, conflicting classifications (1 of 4 stars). 7 submissions from 6 submitters: Uncertain significance (6); Likely benign (1). Last evaluated 2022-08-09.

Conditions:
Autosomal recessive ataxia, Beauce type. Also called: Spinocerebellar ataxia, autosomal recessive 8; ATAXIA, RECESSIVE, OF BEAUCE; SYNE1 Deficiency; SYNE1-Related Autosomal Recessive Cerebellar Ataxia. Identifiers: Orphanet 88644, MedGen C1853116, MONDO:0012549, OMIM 610743.
Emery-Dreifuss muscular dystrophy 4, autosomal dominant (EDMD4). Also called: EMERY-DREIFUSS MUSCULAR DYSTROPHY 4 WITH VARIABLE FEATURES. Identifiers: Orphanet 261, MedGen C2751807, MONDO:0013071, OMIM 612998.

Allele frequency attached by ClinVar (database versions not stated): ExAC 0.00007; TOPMed 0.00007; gnomAD 0.00009 and 0.00010; ESP Exome Variant Server 0.00023; gnomAD exomes 0.00006.
gnomAD v4.1: 317 of 1,614,008 alleles (0.02%); highest among the groups gnomAD compares: Non-Finnish European, 0.025%; no homozygotes.

Submissions (7):

Labcorp Genetics (formerly Invitae), Labcorp
Classification: Uncertain significance for Emery-Dreifuss muscular dystrophy 4, autosomal dominant; Autosomal recessive ataxia, Beauce type. Last evaluated: 2022-08-09. Review status: criteria provided, single submitter. Criteria: Invitae Variant Classification Sherloc (09022015). Collection method: clinical testing. Allele origin: germline.
Comment: This sequence change replaces glutamine, which is neutral and polar, with glutamic acid, which is acidic and polar, at codon 6348 of the SYNE1 protein (p.Gln6348Glu). This variant is present in population databases (rs150700669, gnomAD 0.01%). This variant has not been reported in the literature in individuals affected with SYNE1-related conditions. ClinVar contains an entry for this variant (Variation ID: 285472). Algorithms developed to predict the effect of missense changes on protein structure and function (SIFT, PolyPhen-2, Align-GVGD) all suggest that this variant is likely to be disruptive. In summary, the available evidence is currently insufficient to determine the role of this variant in disease. Therefore, it has been classified as a Variant of Uncertain Significance.

GeneDx
Classification: Uncertain significance. Last evaluated: 2020-11-17. Review status: criteria provided, single submitter. Criteria: GeneDx Variant Classification Process June 2021. Collection method: clinical testing. Allele origin: germline. Affected: yes.
Comment: In silico analysis, which includes protein predictors and evolutionary conservation, supports that this variant does not alter protein structure/function; Has not been previously published as pathogenic or benign to our knowledge

Revvity Omics, Revvity
Classification: Uncertain significance. Last evaluated: 2019-03-22. Review status: criteria provided, single submitter. Criteria: ACMG Guidelines, 2015. Collection method: clinical testing. Allele origin: germline.

Illumina Laboratory Services, Illumina
Classification: Uncertain significance for Autosomal recessive ataxia, Beauce type. Last evaluated: 2018-01-13. Review status: criteria provided, single submitter. Criteria: ICSL Variant Classification Criteria 13 December 2019. Collection method: clinical testing. Allele origin: germline.

Illumina Laboratory Services, Illumina
Classification: Likely benign for Emery-Dreifuss muscular dystrophy 4, autosomal dominant. Last evaluated: 2018-01-13. Review status: criteria provided, single submitter. Criteria: ICSL Variant Classification Criteria 13 December 2019. Collection method: clinical testing. Allele origin: germline.
Comment: This variant was observed in the ICSL laboratory as part of a predisposition screen in an ostensibly healthy population. It had not been previously curated by ICSL or reported in the Human Gene Mutation Database (HGMD: prior to June 1st, 2018), and was therefore a candidate for classification through an automated scoring system. Utilizing variant allele frequency, disease prevalence and penetrance estimates, and inheritance mode, an automated score was calculated to assess if this variant is too frequent to cause the disease. Based on the score and internal cut-off values, a variant classified as likely benign is not then subjected to further curation. The score for this variant resulted in a classification of likely benign for this disease.

Eurofins Ntd Llc (ga)
Classification: Uncertain significance. Last evaluated: 2017-12-05. Review status: criteria provided, single submitter. Criteria: EGL Classification Definitions 2015. Collection method: clinical testing. Allele origin: germline. Observed: 2 variant alleles, 2 heterozygotes.

Athena Diagnostics
Classification: Uncertain significance. Last evaluated: 2016-12-29. Review status: criteria provided, single submitter. Criteria: Athena Diagnostics Criteria. Collection method: clinical testing. Allele origin: germline.

NM_182961.4(SYNE1):c.19255C>G (p.Gln6419Glu)

Gene: SYNE1 (spectrin repeat containing nuclear envelope protein 1; minus strand). Cytogenetic location: 6q25.2.
Variant type: single nucleotide variant.
Coding change: c.19255C>G on transcript NM_182961.4 (MANE Select); coding-DNA position 19255, C replaced by G.
Protein change: p.Gln6419Glu; replaces glutamine 6419 with glutamic acid.
Molecular consequence: missense variant.
Genome position (GRCh38, 1-based): chr6:152,255,596, G>C on the plus strand (C>G on the coding strand, the complement: SYNE1 is on the minus strand). VCF-style: chr6-152255596-G-C. GRCh37 (hg19) VCF-style: chr6-152576731-G-C.
Other names: c.19042C>G, p.Gln6348Glu (NM_033071.5); short protein forms Q6348E, Q6419E.
Identifiers: ClinVar variation 285472 (VCV000285472.16), dbSNP rs150700669, ClinGen allele CA4054725.
Genomic context (GRCh38, chr6:152,255,596, plus strand): 5'-AATGTCAAGTGCTTTGTAATGTTATACACACACAGGCAGGAACTACTAAACCTACCTCTT[G>C]GTTGAAGAGACAAGTCTCTGTTTCTTCTGGTAAAAGTGCTGTGGCAACAAATAAACGTTC-3'
Protein context (NP_892006.3, residues 6409-6429): PEETETCLFN[Gln6419Glu]EILAKDIKEM